The following is an entry in ClinVar:

NM_017849.4(TMEM127):c.44G>T (p.Arg15Leu)

Genes: TMEM127 (transmembrane protein 127; minus strand), LOC129934333 (ATAC-STARR-seq lymphoblastoid silent region 11759; plus strand). Cytogenetic location: 2q11.2.
Variant type: single nucleotide variant.
Coding change: c.44G>T on transcript NM_017849.4 (MANE Select); coding-DNA position 44, G replaced by T.
Protein change: p.Arg15Leu; replaces arginine 15 with leucine.
Molecular consequence: missense variant.
Genome position (GRCh38, 1-based): chr2:96,265,338, C>A on the plus strand (G>T on the coding strand, the complement: TMEM127 is on the minus strand). VCF-style: chr2-96265338-C-A. GRCh37 (hg19) VCF-style: chr2-96931076-C-A.
Other names: c.44G>T, p.Arg15Leu (NM_001193304.3); c.44G>T (NM_017849.3); short protein forms R15L.
Identifiers: ClinVar variation 1476296 (VCV001476296.11), dbSNP rs2104308338, ClinGen allele CA347656242.
Genomic context (GRCh38, chr2:96,265,338, plus strand): 5'-AGGGCCGAGGCCAGGCTACGCTCCGGCTGCTTGGGCAGAGCGCTGCCTCCCGGGCTCCTC[C>A]GCCGGCGCCCGCCGGGCAGCCCTGCGCCTCCGGGGGCGTACATGCCCGGGGCCGCCCGCC-3'
Protein context (NP_060319.1, residues 5-25): GGAGLPGGRR[Arg15Leu]RSPGGSALPK

ClinVar aggregate classification (germline): Uncertain significance. Review status: criteria provided, multiple submitters, no conflicts (2 of 4 stars). 4 submissions from 4 submitters: Uncertain significance (4). Last evaluated 2025-04-18.

Conditions:
Hereditary cancer-predisposing syndrome. Also called: Tumor predisposition; Hereditary Cancer Syndrome; Hereditary neoplastic syndrome; Neoplastic Syndromes, Hereditary. Identifiers: Orphanet 140162, MedGen C0027672, MeSH D009386, MONDO:0015356.
Pheochromocytoma. Also called: MAX-Related Hereditary Paraganglioma-Pheochromocytoma Syndrome. Identifiers: Orphanet 29072, MedGen C0031511, MONDO:0008233, OMIM 171300, HP:0002666.
Hereditary pheochromocytoma and paraganglioma. Also called: Hereditary paragangliomas and pheochromocytomas; Hereditary Paraganglioma-Pheochromocytoma Syndromes; Hereditary pheochromocytoma-paraganglioma. Identifiers: Orphanet 29072, MedGen C4274332, MONDO:0017366.

gnomAD v4.1: 2 of 1,507,934 alleles (0.00013%); highest among the groups gnomAD compares: Non-Finnish European, 0.00018%; no homozygotes.

Submissions (4):

Labcorp Genetics (formerly Invitae), Labcorp
Classification: Uncertain significance for Hereditary pheochromocytoma and paraganglioma. Last evaluated: 2025-04-18. Review status: criteria provided, single submitter. Criteria: Invitae Variant Classification Sherloc (09022015). Collection method: clinical testing. Allele origin: germline.
Comment: This sequence change replaces arginine, which is basic and polar, with leucine, which is neutral and non-polar, at codon 15 of the TMEM127 protein (p.Arg15Leu). This variant is not present in population databases (gnomAD no frequency). This variant has not been reported in the literature in individuals affected with TMEM127-related conditions. ClinVar contains an entry for this variant (Variation ID: 1476296). Experimental studies and prediction algorithms are not available or were not evaluated, and the functional significance of this variant is currently unknown. In summary, the available evidence is currently insufficient to determine the role of this variant in disease. Therefore, it has been classified as a Variant of Uncertain Significance.

Ambry Genetics
Classification: Uncertain significance for Hereditary cancer-predisposing syndrome. Last evaluated: 2024-08-01. Review status: criteria provided, single submitter. Criteria: Ambry Variant Classification Scheme 2023. Collection method: clinical testing. Allele origin: germline.
Comment: The p.R15L variant (also known as c.44G>T), located in coding exon 1 of the TMEM127 gene, results from a G to T substitution at nucleotide position 44. The arginine at codon 15 is replaced by leucine, an amino acid with dissimilar properties. This amino acid position is conserved. In addition, the in silico prediction for this alteration is inconclusive. Based on the available evidence, the clinical significance of this variant remains unclear.

Quest Diagnostics Nichols Institute San Juan Capistrano
Classification: Uncertain significance. Last evaluated: 2024-02-16. Review status: criteria provided, single submitter. Criteria: Quest Diagnostics criteria. Collection method: clinical testing. Allele origin: unknown.
Comment: The TMEM127 c.44G>T (p.Arg15Leu) variant has not been reported in individuals with TMEM127-related conditions in the published literature. It also has not been reported in large, multi-ethnic general populations (Genome Aggregation Database), however the frequency may be unreliable due to suboptimal data quality. Analysis of this variant using bioinformatics tools for the prediction of the effect of amino acid changes on protein structure and function yielded conflicting predictions that this variant is deleterious or benign. Based on the available information, we are unable to determine the clinical significance of this variant.

Baylor Genetics
Classification: Uncertain significance for Pheochromocytoma. Last evaluated: 2023-08-14. Review status: criteria provided, single submitter. Criteria: ACMG Guidelines, 2015. Collection method: clinical testing. Allele origin: unknown.